The following is an entry in ClinVar:

ClinVar aggregate classification (germline): Uncertain significance (1 of 4 stars; one submission).

Conditions:
Congenital myasthenic syndrome 4A. Also called: Myasthenic syndrome, congenital, 4a, slow-channel; CONGENITAL MYASTHENIC SYNDROME TYPE Ia1; MYASTHENIC SYNDROME, CONGENITAL, 4A, SLOW-CHANNEL, AUTOSOMAL RECESSIVE. Identifiers: Orphanet 590, MedGen C4225413, MONDO:0011600, OMIM 605809.

Allele frequency attached by ClinVar (database versions not stated): gnomAD exomes below 0.00001; ExAC 0.00002.
gnomAD v4.1: 1 of 1,601,332 alleles (0.000062%); highest among the groups gnomAD compares: South Asian, 0.0011%; no homozygotes.

Submission:

Labcorp Genetics (formerly Invitae), Labcorp
Classification: Uncertain significance for Congenital myasthenic syndrome 4A. Last evaluated: 2022-01-12. Review status: criteria provided, single submitter. Criteria: Invitae Variant Classification Sherloc (09022015). Collection method: clinical testing. Allele origin: germline.
Comment: This sequence change replaces threonine, which is neutral and polar, with alanine, which is neutral and non-polar, at codon 440 of the CHRNE protein (p.Thr440Ala). The frequency data for this variant in the population databases is considered unreliable, as metrics indicate poor data quality at this position in the gnomAD database. This variant has not been reported in the literature in individuals affected with CHRNE-related conditions. Advanced modeling of protein sequence and biophysical properties (such as structural, functional, and spatial information, amino acid conservation, physicochemical variation, residue mobility, and thermodynamic stability) performed at Invitae indicates that this missense variant is not expected to disrupt CHRNE protein function. In summary, the available evidence is currently insufficient to determine the role of this variant in disease. Therefore, it has been classified as a Variant of Uncertain Significance.

NM_000080.4(CHRNE):c.1318A>G (p.Thr440Ala)

Gene: CHRNE (cholinergic receptor nicotinic epsilon subunit; minus strand). Cytogenetic location: 17p13.2.
Variant type: single nucleotide variant.
Coding change: c.1318A>G on transcript NM_000080.4 (MANE Select); coding-DNA position 1318, A replaced by G.
Protein change: p.Thr440Ala; replaces threonine 440 with alanine.
Molecular consequence: missense variant.
Genome position (GRCh38, 1-based): chr17:4,899,009, T>C on the plus strand (A>G on the coding strand, the complement: CHRNE is on the minus strand). VCF-style: chr17-4899009-T-C. GRCh37 (hg19) VCF-style: chr17-4802304-T-C.
Other names: short protein forms T440A.
Identifiers: ClinVar variation 2177810 (VCV002177810.1), dbSNP rs748069648, ClinGen allele CA8313893.